The following is an entry in ClinVar:

ClinVar aggregate classification (germline): Likely benign. Review status: criteria provided, multiple submitters, no conflicts (2 of 4 stars). 5 submissions from 5 submitters: Likely benign (4). 1 of the submissions does not count toward it. Last evaluated 2026-01-19.

Conditions:
Inborn genetic diseases. Identifiers: MedGen C0950123, MeSH D030342.
Epidermolysis bullosa simplex 5C, with pyloric atresia (EBS5C). Also called: PLEC1-Related Epidermolysis Bullosa with Pyloric Atresia; PLEC-Related Epidermolysis Bullosa with Pyloric Atresia; Epidermolysis bullosa simplex with pyloric atresia. Identifiers: Orphanet 158684, MedGen C2677349, MONDO:0012807, OMIM 612138.
Epidermolysis bullosa simplex 5B, with muscular dystrophy (EBS5B). Also called: Epidermolysis bullosa simplex with muscular dystrophy; EPIDERMOLYSIS BULLOSA SIMPLEX AND LIMB-GIRDLE MUSCULAR DYSTROPHY. Identifiers: Orphanet 257, MedGen C2931072, MONDO:0009181, OMIM 226670.
Autosomal recessive limb-girdle muscular dystrophy type 2Q (LGMDR17). Also called: MUSCULAR DYSTROPHY, LIMB-GIRDLE, AUTOSOMAL RECESSIVE 17. Identifiers: Orphanet 254361, MedGen C3150989, MONDO:0013390, OMIM 613723.
Epidermolysis bullosa simplex with nail dystrophy (EBS5D). Identifiers: MedGen C4225309, MONDO:0014661, OMIM 616487.
Epidermolysis bullosa simplex, Ogna type (EBS5A). Also called: Pidermolysis bullosa simplex 5A, Ogna type; EPIDERMOLYSIS BULLOSA SIMPLEX 5A, OGNA TYPE. Identifiers: Orphanet 79401, MedGen C0432317, MONDO:0007555, OMIM 131950.
PLEC-related disorder. Also called: PLEC-related condition; PLEC-related disorders.

Allele frequency attached by ClinVar (database versions not stated): 1000 Genomes Project 0.00160; 1000 Genomes Project 30x 0.00187; ESP Exome Variant Server 0.00032; ExAC 0.00046; TOPMed 0.00088; gnomAD 0.00089.
gnomAD v4.1: 243 of 1,596,156 alleles (0.015%); highest among the groups gnomAD compares: African/African-American, 0.27%; 1 homozygote.

Submissions (5):

Labcorp Genetics (formerly Invitae), Labcorp
Classification: Likely benign for Autosomal recessive limb-girdle muscular dystrophy type 2Q; Epidermolysis bullosa simplex, Ogna type; Epidermolysis bullosa simplex with nail dystrophy; Epidermolysis bullosa simplex 5C, with pyloric atresia; Epidermolysis bullosa simplex 5B, with muscular dystrophy. Last evaluated: 2026-01-19. Review status: criteria provided, single submitter. Criteria: Invitae Variant Classification Sherloc (09022015). Collection method: clinical testing. Allele origin: germline.

Revvity Omics, Revvity
Classification: Likely benign. Last evaluated: 2024-06-27. Review status: criteria provided, single submitter. Criteria: ACMG Guidelines, 2015. Collection method: clinical testing. Allele origin: germline.

Ambry Genetics
Classification: Likely benign for Inborn genetic diseases. Last evaluated: 2023-11-06. Review status: criteria provided, single submitter. Criteria: Ambry Variant Classification Scheme 2023. Collection method: clinical testing. Allele origin: germline.

GeneDx
Classification: Likely benign. Last evaluated: 2020-03-16. Review status: criteria provided, single submitter. Criteria: GeneDx Variant Classification Process June 2021. Collection method: clinical testing. Allele origin: germline. Affected: yes.

PreventionGenetics, part of Exact Sciences
Classification: Likely benign for PLEC-related condition. Last evaluated: 2023-05-22. Review status: no assertion criteria provided. Collection method: clinical testing. Allele origin: germline. Not counted in ClinVar's aggregate classification.
Comment: This variant is classified as likely benign based on ACMG/AMP sequence variant interpretation guidelines (Richards et al. 2015 PMID: 25741868, with internal and published modifications).

NM_201384.3(PLEC):c.3434C>T (p.Thr1145Met)

Gene: PLEC (plectin; minus strand). Cytogenetic location: 8q24.3.
Variant type: single nucleotide variant.
Coding change: c.3434C>T on transcript NM_201384.3 (MANE Select); coding-DNA position 3434, C replaced by T.
Protein change: p.Thr1145Met; replaces threonine 1145 with methionine.
Molecular consequence: missense variant.
Genome position (GRCh38, 1-based): chr8:143,927,732, G>A on the plus strand (C>T on the coding strand, the complement: PLEC is on the minus strand). VCF-style: chr8-143927732-G-A. GRCh37 (hg19) VCF-style: chr8-145001900-G-A.
Other names: c.3515C>T, p.Thr1172Met (NM_000445.5); c.3392C>T, p.Thr1131Met (NM_201378.4); c.3368C>T, p.Thr1123Met (NM_201379.3); c.3845C>T, p.Thr1282Met (NM_201380.4); c.3338C>T, p.Thr1113Met (NM_201381.3); c.3434C>T, p.Thr1145Met (NM_201382.4); c.3446C>T, p.Thr1149Met (NM_201383.3); short protein forms T1131M, T1145M, T1172M, T1282M, T1149M, T1113M, T1123M.
Identifiers: ClinVar variation 471576 (VCV000471576.19), dbSNP rs200672373, ClinGen allele CA4927067.
Genomic context (GRCh38, chr8:143,927,732, plus strand): 5'-TGCTGCAGTCGCTCCCCCACCTCCTGTGCCCCCCGCAGCTCATCCCGCAGGGCGTCGAAC[G>A]TGGGCTGCTGTGCCTCGGCCTGGGCCCGCAGCTTCTGTTGGGGACAGGAGGGACATGTGC-3'
Protein context (NP_958786.1, residues 1135-1155): LRAQAEAQQP[Thr1145Met]FDALRDELRG